The following is an entry in ClinVar:

ClinVar aggregate classification (germline): Conflicting classifications of pathogenicity. Review status: criteria provided, conflicting classifications (1 of 4 stars). 4 submissions from 4 submitters: Uncertain significance (2); Likely benign (2). Last evaluated 2025-12-22.

Conditions:
Connective tissue disorder. Also called: Connective tissue disease. Identifiers: MedGen C0009782, MONDO:0003900.
Familial thoracic aortic aneurysm and aortic dissection (TAAD). Also called: Thoracic aortic aneurysms and dissections. Identifiers: Orphanet 91387, MedGen C4707243, MONDO:0019625.
Aortic aneurysm, familial thoracic 7 (AAT7). Also called: AORTIC DISSECTION, FAMILIAL, WITH OR WITHOUT AORTIC ANEURYSM. Identifiers: MedGen C3151077, MONDO:0013418, OMIM 613780.

Allele frequency attached by ClinVar (database versions not stated): ExAC 0.00001; gnomAD 0.00001; TOPMed 0.00001.
gnomAD v4.1: 16 of 1,543,152 alleles (0.001%); highest among the groups gnomAD compares: Middle Eastern, 0.017%; no homozygotes.

Submissions (4):

Labcorp Genetics (formerly Invitae), Labcorp
Classification: Uncertain significance for Aortic aneurysm, familial thoracic 7. Last evaluated: 2025-12-22. Review status: criteria provided, single submitter. Criteria: Invitae Variant Classification Sherloc (09022015). Collection method: clinical testing. Allele origin: germline.
Comment: This sequence change replaces threonine, which is neutral and polar, with asparagine, which is neutral and polar, at codon 267 of the MYLK protein (p.Thr267Asn). This variant is present in population databases (rs755451013, gnomAD 0.002%). This variant has not been reported in the literature in individuals affected with MYLK-related conditions. ClinVar contains an entry for this variant (Variation ID: 547553). Invitae Evidence Modeling of protein sequence and biophysical properties (such as structural, functional, and spatial information, amino acid conservation, physicochemical variation, residue mobility, and thermodynamic stability) indicates that this missense variant is not expected to disrupt MYLK protein function with a negative predictive value of 95%. In summary, the available evidence is currently insufficient to determine the role of this variant in disease. Therefore, it has been classified as a Variant of Uncertain Significance.

Ambry Genetics
Classification: Uncertain significance for Familial thoracic aortic aneurysm and aortic dissection. Last evaluated: 2021-06-23. Review status: criteria provided, single submitter. Criteria: Ambry Variant Classification Scheme 2023. Collection method: clinical testing. Allele origin: germline.
Comment: The p.T267N variant (also known as c.800C>A), located in coding exon 7 of the MYLK gene, results from a C to A substitution at nucleotide position 800. The threonine at codon 267 is replaced by asparagine, an amino acid with similar properties. This amino acid position is conserved. In addition, this alteration is predicted to be tolerated by in silico analysis. Since supporting evidence is limited at this time, the clinical significance of this alteration remains unclear.

Blueprint Genetics
Classification: Likely benign. Last evaluated: 2021-06-07. Review status: criteria provided, single submitter. Criteria: ACMG Guidelines, 2015. Collection method: clinical testing. Allele origin: germline.

Center for Human Genetics, Inc
Classification: Likely benign for Connective tissue disorder. Last evaluated: 2016-11-01. Review status: criteria provided, single submitter. Criteria: ACMG Guidelines, 2015. Collection method: clinical testing. Allele origin: germline. Affected: yes.

NM_053025.4(MYLK):c.800C>A (p.Thr267Asn)

Gene: MYLK (myosin light chain kinase; minus strand). Cytogenetic location: 3q21.1.
Variant type: single nucleotide variant.
Coding change: c.800C>A on transcript NM_053025.4 (MANE Select); coding-DNA position 800, C replaced by A.
Protein change: p.Thr267Asn; replaces threonine 267 with asparagine.
Molecular consequence: missense variant.
Genome position (GRCh38, 1-based): chr3:123,734,196, G>T on the plus strand (C>A on the coding strand, the complement: MYLK is on the minus strand). VCF-style: chr3-123734196-G-T. GRCh37 (hg19) VCF-style: chr3-123453043-G-T.
Other names: c.272C>A, p.Thr91Asn (NM_001321309.2); c.800C>A, p.Thr267Asn (NM_053026.4, NM_053027.4, NM_053028.4); short protein forms T267N, T91N.
Identifiers: ClinVar variation 547553 (VCV000547553.12), dbSNP rs755451013, ClinGen allele CA073674.